The following is an entry in ClinVar:

NM_004370.6(COL12A1):c.704C>T (p.Ala235Val)

Gene: COL12A1 (collagen type XII alpha 1 chain; minus strand). Cytogenetic location: 6q13.
Variant type: single nucleotide variant.
Coding change: c.704C>T on transcript NM_004370.6 (MANE Select); coding-DNA position 704, C replaced by T.
Protein change: p.Ala235Val; replaces alanine 235 with valine.
Molecular consequence: missense variant. On other transcripts: intron variant (2).
Genome position (GRCh38, 1-based): chr6:75,189,336, G>A on the plus strand (C>T on the coding strand, the complement: COL12A1 is on the minus strand). VCF-style: chr6-75189336-G-A. GRCh37 (hg19) VCF-style: chr6-75899052-G-A.
Other names: c.704C>T, p.Ala235Val (NM_001424113.1, NM_001424114.1, NM_001424115.1); c.73+13384C>T (NM_001424116.1, NM_080645.3); short protein forms A235V.
Identifiers: ClinVar variation 2924674 (VCV002924674.6), dbSNP rs756153238, ClinGen allele CA3894365.
Genomic context (GRCh38, chr6:75,189,336, plus strand): 5'-TCCTGGGATTTTCCATCCGTAATAATAATTGCCACTTTAGGAAAGCCAACTCTTGCCCCA[G>A]CAGATTCCGTGAAAGTATTTTTAACTAAATAATCAATGGCATCCCCTAAAGGGAAAAGAA-3'
Protein context (NP_004361.3, residues 225-245): YLVKNTFTES[Ala235Val]GARVGFPKVA

ClinVar aggregate classification (germline): Uncertain significance. Review status: criteria provided, multiple submitters, no conflicts (2 of 4 stars). 3 submissions from 3 submitters: Uncertain significance (3). Last evaluated 2026-04-01.

Conditions:
Ullrich congenital muscular dystrophy 2 (UCMD2). Identifiers: Orphanet 75840, MedGen C4225314, MONDO:0014654, OMIM 616470.
Bethlem myopathy 2 (BTHLM2). Identifiers: Orphanet 536516, Orphanet 610, MedGen C4225313, MONDO:0034022, OMIM 616471.

Allele frequency attached by ClinVar (database versions not stated): TOPMed below 0.00001; ExAC 0.00001; gnomAD exomes 0.00001.
gnomAD v4.1: 4 of 1,612,944 alleles (0.00025%); highest among the groups gnomAD compares: South Asian, 0.0011%; no homozygotes.

Submissions (3):

CeGaT Center for Human Genetics Tuebingen
Classification: Uncertain significance. Last evaluated: 2026-04-01. Review status: criteria provided, single submitter. Criteria: CeGaT Center For Human Genetics Tuebingen Variant Classification Criteria Version 2. Collection method: clinical testing. Allele origin: germline. Affected: yes. Observed: 1 variant allele.
Comment: COL12A1: PM2

Labcorp Genetics (formerly Invitae), Labcorp
Classification: Uncertain significance for Bethlem myopathy 2; Ullrich congenital muscular dystrophy 2. Last evaluated: 2024-09-27. Review status: criteria provided, single submitter. Criteria: Invitae Variant Classification Sherloc (09022015). Collection method: clinical testing. Allele origin: germline.
Comment: This sequence change replaces alanine, which is neutral and non-polar, with valine, which is neutral and non-polar, at codon 235 of the COL12A1 protein (p.Ala235Val). This variant is present in population databases (rs756153238, gnomAD 0.0009%). This variant has not been reported in the literature in individuals affected with COL12A1-related conditions. Invitae Evidence Modeling of protein sequence and biophysical properties (such as structural, functional, and spatial information, amino acid conservation, physicochemical variation, residue mobility, and thermodynamic stability) indicates that this missense variant is not expected to disrupt COL12A1 protein function with a negative predictive value of 80%. In summary, the available evidence is currently insufficient to determine the role of this variant in disease. Therefore, it has been classified as a Variant of Uncertain Significance.

Blueprint Genetics
Classification: Uncertain significance. Last evaluated: 2024-03-18. Review status: criteria provided, single submitter. Criteria: ACMG Guidelines, 2015. Collection method: clinical testing. Allele origin: germline.